The following is an entry in ClinVar:

NM_015272.5(RPGRIP1L):c.1419A>C (p.Lys473Asn)

Gene: RPGRIP1L (RPGRIP1 like; minus strand). Cytogenetic location: 16q12.2.
Variant type: single nucleotide variant.
Coding change: c.1419A>C on transcript NM_015272.5 (MANE Select); coding-DNA position 1419, A replaced by C.
Protein change: p.Lys473Asn; replaces lysine 473 with asparagine.
Molecular consequence: missense variant.
Genome position (GRCh38, 1-based): chr16:53,657,615, T>G on the plus strand (A>C on the coding strand, the complement: RPGRIP1L is on the minus strand). VCF-style: chr16-53657615-T-G. GRCh37 (hg19) VCF-style: chr16-53691527-T-G.
Other names: c.1419A>C, p.Lys473Asn (NM_001127897.4, NM_001308334.3, NM_001330538.2); c.1419A>C (NM_015272.4); short protein forms K473N.
Identifiers: ClinVar variation 287842 (VCV000287842.17), dbSNP rs769686672, ClinGen allele CA8057796.

ClinVar aggregate classification (germline): Uncertain significance. Review status: criteria provided, multiple submitters, no conflicts (2 of 4 stars). 7 submissions from 7 submitters: Uncertain significance (6). 1 of the submissions does not count toward it. Last evaluated 2025-12-02.

Conditions:
Meckel syndrome, type 5 (MKS5). Identifiers: Orphanet 564, MedGen C1969052, MONDO:0012695, OMIM 611561.
Joubert syndrome 7 (JBTS7). Identifiers: Orphanet 220497, MedGen C1969053, MONDO:0012694, OMIM 611560.
COACH syndrome 3. Identifiers: MedGen C5436841, MONDO:0030862, OMIM 619113.
RPGRIP1L-related disorder. Also called: RPGRIP1L-related condition; RPGRIP1L-related disorders. Identifiers: MedGen CN239416.
Joubert syndrome. Also called: JOUBERT-BOLTSHAUSER SYNDROME; Familial aplasia of the vermis. Identifiers: Orphanet 475, MedGen C5979921, MONDO:0018772.
Inborn genetic diseases. Identifiers: MedGen C0950123, MeSH D030342.
Meckel-Gruber syndrome. Also called: DYSENCEPHALIA SPLANCHNOCYSTICA; GRUBER SYNDROME; Dysencephalia splachnocystica. Identifiers: Orphanet 564, MedGen C0265215, MONDO:0018921.

Allele frequency attached by ClinVar (database versions not stated): gnomAD 0.00008 and 0.00009; TOPMed 0.00009; gnomAD exomes 0.00012 and 0.00024; ExAC 0.00013.
gnomAD v4.1: 348 of 1,579,312 alleles (0.022%); highest among the groups gnomAD compares: Non-Finnish European, 0.028%; no homozygotes.

Submissions (7):

PreventionGenetics, part of Exact Sciences
Classification: Uncertain significance for RPGRIP1L-related condition. Last evaluated: 2025-12-02. Review status: criteria provided, single submitter. Criteria: ACMG Guidelines, 2015. Collection method: clinical testing. Allele origin: germline.
Comment: The RPGRIP1L c.1419A>C variant is predicted to result in the amino acid substitution p.Lys473Asn. To our knowledge, this variant has not been reported in the literature. This variant is reported in 0.022% of alleles in individuals of European (Non-Finnish) descent in gnomAD. At this time, the clinical significance of this variant is uncertain due to the absence of conclusive functional and genetic evidence.

Blueprint Genetics
Classification: Uncertain significance. Last evaluated: 2024-11-23. Review status: criteria provided, single submitter. Criteria: ACMG Guidelines, 2015. Collection method: clinical testing. Allele origin: germline.

Labcorp Genetics (formerly Invitae), Labcorp
Classification: Uncertain significance for Joubert syndrome; Meckel-Gruber syndrome. Last evaluated: 2024-11-05. Review status: criteria provided, single submitter. Criteria: Invitae Variant Classification Sherloc (09022015). Collection method: clinical testing. Allele origin: germline.
Comment: This sequence change replaces lysine, which is basic and polar, with asparagine, which is neutral and polar, at codon 473 of the RPGRIP1L protein (p.Lys473Asn). This variant is present in population databases (rs769686672, gnomAD 0.02%). This variant has not been reported in the literature in individuals affected with RPGRIP1L-related conditions. ClinVar contains an entry for this variant (Variation ID: 287842). Invitae Evidence Modeling of protein sequence and biophysical properties (such as structural, functional, and spatial information, amino acid conservation, physicochemical variation, residue mobility, and thermodynamic stability) indicates that this missense variant is not expected to disrupt RPGRIP1L protein function with a negative predictive value of 80%. In summary, the available evidence is currently insufficient to determine the role of this variant in disease. Therefore, it has been classified as a Variant of Uncertain Significance.

Ambry Genetics
Classification: Uncertain significance for Inborn genetic diseases. Last evaluated: 2024-08-28. Review status: criteria provided, single submitter. Criteria: Ambry Variant Classification Scheme 2023. Collection method: clinical testing. Allele origin: germline.

Fulgent Genetics
Classification: Uncertain significance for Joubert syndrome 7; Meckel syndrome, type 5; COACH syndrome 3. Last evaluated: 2021-12-21. Review status: criteria provided, single submitter. Criteria: ACMG Guidelines, 2015. Collection method: clinical testing. Allele origin: unknown.

Eurofins Ntd Llc (ga)
Classification: Uncertain significance. Last evaluated: 2016-06-07. Review status: criteria provided, single submitter. Criteria: EGL Classification Definitions 2015. Collection method: clinical testing. Allele origin: germline. Observed: 1 variant allele, 1 heterozygote.

Natera, Inc.
Classification: Uncertain significance for Joubert syndrome. Last evaluated: 2020-10-15. Review status: no assertion criteria provided. Collection method: clinical testing. Allele origin: germline. Not counted in ClinVar's aggregate classification.